The following is an entry in ClinVar:

NM_000268.4(NF2):c.1737+2098A>G

Gene: NF2 (NF2, moesin-ezrin-radixin like (MERLIN) tumor suppressor; plus strand). Cytogenetic location: 22q12.2.
Variant type: single nucleotide variant.
Coding change: c.1737+2098A>G on transcript NM_000268.4 (MANE Select); 2098 bases into the intron after coding-DNA position 1737, A replaced by G.
Molecular consequence: intron variant. On other transcripts: splice acceptor variant (2), 3 prime UTR variant (1).
Genome position (GRCh38, 1-based): chr22:29,683,699, A>G. VCF-style: chr22-29683699-A-G. GRCh37 (hg19) VCF-style: chr22-30079688-A-G.
Other names: c.*10-2A>G (NM_001407066.1, NM_181831.3); c.*644A>G (NM_181825.3); c.*9+635A>G (NM_016418.5, NM_001407056.1, NM_001407067.1 and 5 more transcripts); c.1623+2098A>G (NM_001407053.1); c.*24+620A>G (NM_181832.3, NM_001407058.1, NM_001407063.1); c.1574+5376A>G (NM_001407060.1); c.1602+2098A>G (NM_001407057.1); c.448-11053A>G (NM_181833.3); and 5 more.
Identifiers: ClinVar variation 135570 (VCV000135570.27), dbSNP rs75296199, ClinGen allele CA021377.
Genomic context (GRCh38, chr22:29,683,699, plus strand): 5'-GATATGTGAGTCCACGGGGAGTGGACTGTCTGTTCATCTGTGCTCAGCCACCTCTGCTTC[A>G]GCTTCCTCTCCATAGGCTGAGCAGAGATGTGGTCAGAGTGAACTCACATTGGAACAGTAC-3'

ClinVar aggregate classification (germline): Likely benign. Review status: criteria provided, multiple submitters, no conflicts (2 of 4 stars). 4 submissions from 4 submitters: Likely benign (2). 2 of the submissions do not count toward it. Last evaluated 2026-07-01.

Conditions:
NF2-related disorder. Also called: NF2-related condition.
Neurofibromatosis, type 2 (SWNV). Also called: SCHWANNOMATOSIS, VESTIBULAR; BILATERAL ACOUSTIC NEUROFIBROMATOSIS; NF2-Related Schwannomatosis. Identifiers: Orphanet 637, MedGen C0027832, MONDO:0007039, OMIM 101000. Disease mechanism: loss of function.

Allele frequency attached by ClinVar (database versions not stated): gnomAD 0.00053 and 0.00054; TOPMed 0.00076; gnomAD exomes 0.00080; 1000 Genomes Project 30x 0.00094; 1000 Genomes Project 0.00120.
gnomAD v4.1: 819 of 1,073,498 alleles (0.076%); highest among the groups gnomAD compares: Admixed American, 0.11%; 1 homozygote.

Submissions (4):

CeGaT Center for Human Genetics Tuebingen
Classification: Likely benign. Last evaluated: 2026-07-01. Review status: criteria provided, single submitter. Criteria: CeGaT Center For Human Genetics Tuebingen Variant Classification Criteria Version 2. Collection method: clinical testing. Allele origin: germline. Affected: yes. Observed: 7 variant alleles.
Comment: NF2: BS1

PreventionGenetics, part of Exact Sciences
Classification: Likely benign for NF2-related condition. Last evaluated: 2025-02-17. Review status: criteria provided, single submitter. Criteria: ACMG Guidelines, 2015. Collection method: clinical testing. Allele origin: germline.
Comment: This variant is classified as likely benign based on ACMG/AMP sequence variant interpretation guidelines (Richards et al. 2015 PMID: 25741868, with internal and published modifications).

Knight Diagnostic Laboratories, Oregon Health and Sciences University
Classification: Uncertain significance for Neurofibromatosis, type 2. Last evaluated: 2015-12-19. Review status: no assertion criteria provided. Criteria: ACMG Guidelines, 2015. Collection method: clinical testing. Allele origin: germline. Affected: no. Study: CSER-NextGen. Not counted in ClinVar's aggregate classification.

ITMI
No classification provided. Condition: AllHighlyPenetrant. Last evaluated: 2013-09-19. Review status: no classification provided. Collection method: reference population. Allele origin: germline. Not counted in ClinVar's aggregate classification.
Comment: Please see associated publication for description of ethnicities

Literature cited by the submitters: PubMed 24728327 (cited by ITMI).